The following is an entry in ClinVar:

NM_012338.4(TSPAN12):c.146C>T (p.Thr49Met)

Gene: TSPAN12 (tetraspanin 12; minus strand). Cytogenetic location: 7q31.31.
Variant type: single nucleotide variant.
Coding change: c.146C>T on transcript NM_012338.4 (MANE Select); coding-DNA position 146, C replaced by T.
Protein change: p.Thr49Met; replaces threonine 49 with methionine.
Molecular consequence: missense variant.
Genome position (GRCh38, 1-based): chr7:120,840,030, G>A on the plus strand (C>T on the coding strand, the complement: TSPAN12 is on the minus strand). VCF-style: chr7-120840030-G-A. GRCh37 (hg19) VCF-style: chr7-120480084-G-A.
Other names: short protein forms T49M.
Identifiers: ClinVar variation 126505 (VCV000126505.9), dbSNP rs538591733, ClinGen allele CA269454.

ClinVar aggregate classification (germline): Conflicting classifications of pathogenicity. Review status: criteria provided, conflicting classifications (1 of 4 stars). 4 submissions from 4 submitters: Likely pathogenic (2); Uncertain significance (1). 1 of the submissions does not count toward it. Last evaluated 2025-09-02.

Conditions:
TSPAN12-related disorder. Also called: TSPAN12-related condition.
Exudative vitreoretinopathy 5 (EVR5). Identifiers: Orphanet 891, MedGen C2750079, MONDO:0013218, OMIM 613310.

Allele frequency attached by ClinVar (database versions not stated): gnomAD 0.00001; TOPMed 0.00003; gnomAD exomes below 0.00001.

Submissions (4):

Labcorp Genetics (formerly Invitae), Labcorp
Classification: Likely pathogenic. Last evaluated: 2025-09-02. Review status: criteria provided, single submitter. Criteria: Invitae Variant Classification Sherloc (09022015). Collection method: clinical testing. Allele origin: germline.
Comment: This sequence change replaces threonine, which is neutral and polar, with methionine, which is neutral and non-polar, at codon 49 of the TSPAN12 protein (p.Thr49Met). This variant is present in population databases (rs538591733, gnomAD 0.0009%). This missense change has been observed in individuals with TSPAN12-related conditions (PMID: 21552475, 31987760, 36729443; internal data). ClinVar contains an entry for this variant (Variation ID: 126505). Invitae Evidence Modeling of protein sequence and biophysical properties (such as structural, functional, and spatial information, amino acid conservation, physicochemical variation, residue mobility, and thermodynamic stability) indicates that this missense variant is not expected to disrupt TSPAN12 protein function with a negative predictive value of 80%. In summary, the currently available evidence indicates that the variant is pathogenic, but additional data are needed to prove that conclusively. Therefore, this variant has been classified as Likely Pathogenic.

Blueprint Genetics
Classification: Likely pathogenic for TSPAN12-related disorders. Last evaluated: 2022-11-15. Review status: criteria provided, single submitter. Criteria: ACMG Guidelines, 2015. Collection method: clinical testing. Allele origin: germline. Affected: yes. Observed: 2 variant alleles.

Juno Genomics, Hangzhou Juno Genomics, Inc
Classification: Uncertain significance for Exudative vitreoretinopathy 5. Review status: criteria provided, single submitter. Criteria: ACMG Guidelines, 2015. Collection method: clinical testing. Allele origin: germline. Affected: yes.
Comment: Absent from controls (or at extremely low frequency if recessive) in Genome Aggregation Database, Exome Sequencing Project, 1000 Genomes Project, or Exome Aggregation Consortium.;The prevalence of the variant in affected individuals is significantly increased compared to the prevalence in controls.;Patient's phenotype or family history is highly specific for a disease with a single genetic etiology.

OMIM
Classification: Pathogenic for EXUDATIVE VITREORETINOPATHY 5. Last evaluated: 2012-05-14. Review status: no assertion criteria provided. Collection method: literature only. Allele origin: germline. Not counted in ClinVar's aggregate classification.

Literature cited by the submitters: PubMed 21552475 (cited by Labcorp Genetics (formerly Invitae), Labcorp); PubMed 31987760 (cited by Labcorp Genetics (formerly Invitae), Labcorp); PubMed 36729443 (cited by Labcorp Genetics (formerly Invitae), Labcorp); PubMed 22427576 (cited by OMIM).